The following is an entry in ClinVar:

NM_144687.4(NLRP12):c.779C>T (p.Thr260Met)

Gene: NLRP12 (NLR family pyrin domain containing 12; minus strand). Cytogenetic location: 19q13.42.
Variant type: single nucleotide variant.
Coding change: c.779C>T on transcript NM_144687.4 (MANE Select); coding-DNA position 779, C replaced by T.
Protein change: p.Thr260Met; replaces threonine 260 with methionine.
Molecular consequence: missense variant.
Genome position (GRCh38, 1-based): chr19:53,810,880, G>A on the plus strand (C>T on the coding strand, the complement: NLRP12 is on the minus strand). VCF-style: chr19-53810880-G-A. GRCh37 (hg19) VCF-style: chr19-54314134-G-A.
Other names: p.Thr260Met; c.779C>T, p.Thr260Met (NM_001277126.2, NM_001277129.1); short protein forms T260M.
Identifiers: ClinVar variation 330037 (VCV000330037.47), dbSNP rs150280940, ClinGen allele CA9639613.

ClinVar aggregate classification (germline): Conflicting classifications of pathogenicity. Review status: criteria provided, conflicting classifications (1 of 4 stars). 8 submissions from 8 submitters: Uncertain significance (3); Benign (1); Likely benign (3). 1 of the submissions does not count toward it. Last evaluated 2026-03-01.

Conditions:
NLRP12-related disorder. Also called: NLRP12-related condition; NLRP12-related conditions.
Familial cold autoinflammatory syndrome 2 (FCAS2). Identifiers: Orphanet 247868, MedGen C2673198, MONDO:0012724, OMIM 611762.
Autoinflammatory syndrome. Identifiers: Orphanet 93665, MedGen C3890737, MONDO:0019751.

Allele frequency attached by ClinVar (database versions not stated): ESP Exome Variant Server 0.00015; TOPMed 0.00026; gnomAD 0.00027 and 0.00032; 1000 Genomes Project 30x 0.00031; 1000 Genomes Project 0.00040; gnomAD exomes 0.00044 and 0.00058; ExAC 0.00067.
gnomAD v4.1: 693 of 1,614,096 alleles (0.043%); highest among the groups gnomAD compares: South Asian, 0.3%; 5 homozygotes.

Submissions (8):

CeGaT Center for Human Genetics Tuebingen
Classification: Likely benign. Last evaluated: 2026-03-01. Review status: criteria provided, single submitter. Criteria: CeGaT Center For Human Genetics Tuebingen Variant Classification Criteria Version 2. Collection method: clinical testing. Allele origin: germline. Affected: yes. Observed: 4 variant alleles.
Comment: NLRP12: BP4, BS1

Labcorp Genetics (formerly Invitae), Labcorp
Classification: Likely benign for Familial cold autoinflammatory syndrome 2. Last evaluated: 2025-12-29. Review status: criteria provided, single submitter. Criteria: Invitae Variant Classification Sherloc (09022015). Collection method: clinical testing. Allele origin: germline.

Blueprint Genetics
Classification: Likely benign. Last evaluated: 2024-10-17. Review status: criteria provided, single submitter. Criteria: ACMG Guidelines, 2015. Collection method: clinical testing. Allele origin: germline.

Mayo Clinic Laboratories, Mayo Clinic
Classification: Uncertain significance. Last evaluated: 2022-07-13. Review status: criteria provided, single submitter. Criteria: ACMG Guidelines, 2015. Collection method: clinical testing. Allele origin: germline. Observed: 1 variant allele.
Comment: BS2, PM6_supporting

Genome Diagnostics Laboratory, The Hospital for Sick Children
Classification: Uncertain significance for Autoinflammatory syndrome. Last evaluated: 2022-04-25. Review status: criteria provided, single submitter. Criteria: ACMG Guidelines, 2015. Collection method: clinical testing. Allele origin: germline. Affected: yes.

GeneDx
Classification: Uncertain significance. Last evaluated: 2018-03-27. Review status: criteria provided, single submitter. Criteria: GeneDx Variant Classification (06012015). Collection method: clinical testing. Allele origin: germline. Affected: yes.
Comment: The T260M variant in the NLRP12 gene has not been reported previously as a pathogenic, nor as a benign variant in a peer reviewed journal article to our knowledge. The T260M variant is observed in 40/16508 (0.25%) alleles from individuals of South Asian background in the ExAC dataset (Lek et al., 2016). This variant is a non-conservative amino acid substitution, which is likely to impact secondary protein structure as these residues differ in polarity, charge, size and/or other properties. However, this substitution occurs at a position that is not conserved. In silico analysis is inconsistent in its predictions as to whether or not the variant is damaging to the protein structure/function. We interpret T260M as a variant of uncertain significance.

Illumina Laboratory Services, Illumina
Classification: Benign for Familial cold autoinflammatory syndrome 2. Last evaluated: 2018-01-12. Review status: criteria provided, single submitter. Criteria: ICSL Variant Classification Criteria 13 December 2019. Collection method: clinical testing. Allele origin: germline.
Comment: This variant was observed in the ICSL laboratory as part of a predisposition screen in an ostensibly healthy population. It had not been previously curated by ICSL or reported in the Human Gene Mutation Database (HGMD: prior to June 1st, 2018), and was therefore a candidate for classification through an automated scoring system. Utilizing variant allele frequency, disease prevalence and penetrance estimates, and inheritance mode, an automated score was calculated to assess if this variant is too frequent to cause the disease. Based on the score and internal cut-off values, a variant classified as benign is not then subjected to further curation. The score for this variant resulted in a classification of benign for this disease.

PreventionGenetics, part of Exact Sciences
Classification: Likely benign for NLRP12-related condition. Last evaluated: 2021-07-29. Review status: no assertion criteria provided. Collection method: clinical testing. Allele origin: germline. Not counted in ClinVar's aggregate classification.
Comment: This variant is classified as likely benign based on ACMG/AMP sequence variant interpretation guidelines (Richards et al. 2015 PMID: 25741868, with internal and published modifications).

Literature cited by the submitters: PubMed 30858956 (cited by Mayo Clinic Laboratories, Mayo Clinic); PubMed 34975878 (cited by Mayo Clinic Laboratories, Mayo Clinic).